The following is an entry in ClinVar:

ClinVar aggregate classification (germline): Likely benign (0 of 4 stars; one submission).

Submission:

ISCA site 1
Classification: Likely benign. Last evaluated: 2018-02-12. Review status: no assertion criteria provided. Collection method: clinical testing. Allele origin: unknown. Affected: yes. Observed: 1 variant allele.
Comment: Copy number variation identified through the course of routine clinical cytogenomic testing in postnatal populations, with clinical assertions as classified by the original submitter. For data from the original published study, Kaminsky, et al. 2011 (PubMed 21844811), please see nstd101.

GRCh38/hg38 Xp21.1(chrX:31826330-31870887)x1

Genes: DMD (dystrophin; minus strand), LOC129391296 (MPRA-validated peak7373 silencer; plus strand). Cytogenetic location: Xp21.1.
Variant type: copy number loss.
Change: copy number 1 of chrX:31,826,330-31,870,887 (44.6 kb, GRCh38 coordinates, 1-based), cytogenetic band Xp21.1.
Identifiers: ClinVar variation 153850 (VCV000153850.3).